The following is an entry in ClinVar:

NM_000083.3(CLCN1):c.920T>C (p.Phe307Ser)

Gene: CLCN1 (chloride voltage-gated channel 1; plus strand). Cytogenetic location: 7q34.
Variant type: single nucleotide variant.
Coding change: c.920T>C on transcript NM_000083.3 (MANE Select); coding-DNA position 920, T replaced by C.
Protein change: p.Phe307Ser; replaces phenylalanine 307 with serine.
Molecular consequence: missense variant. On other transcripts: non-coding transcript variant (1).
Genome position (GRCh38, 1-based): chr7:143,330,838, T>C. VCF-style: chr7-143330838-T-C. GRCh37 (hg19) VCF-style: chr7-143027931-T-C.
Other names: short protein forms F307S.
Identifiers: ClinVar variation 21050 (VCV000021050.33), dbSNP rs80356701, ClinGen allele CA341557.

ClinVar aggregate classification (germline): Pathogenic/Likely pathogenic. Review status: criteria provided, multiple submitters, no conflicts (2 of 4 stars). 15 submissions from 14 submitters: Pathogenic (12); Likely pathogenic (1). 2 of the submissions do not count toward it. Last evaluated 2026-01-20.

Conditions:
CLCN1-related disorder. Also called: CLCN1-related condition.
Congenital myotonia, autosomal dominant form (THD). Also called: THOMSEN DISEASE; Myotonia congenita autosomal dominant. Identifiers: Orphanet 614, MedGen C2936781, MONDO:0008055, OMIM 160800.
Congenital myotonia, autosomal recessive form. Also called: BECKER DISEASE; myotonia congenita, autosomal recessive; Becker Generalized Myotonia. Identifiers: Orphanet 614, MedGen C0751360, MONDO:0009715, OMIM 255700.
Batten-Turner congenital myopathy. Also called: Congenital myotonia; Myotonia congenita. Identifiers: Orphanet 206973, MedGen C0027127, MONDO:0100468, OMIM 255300.

Allele frequency attached by ClinVar (database versions not stated): gnomAD 0.00003 and 0.00004; TOPMed 0.00004; gnomAD exomes 0.00006 and 0.00010; ESP Exome Variant Server 0.00008; ExAC 0.00009.
gnomAD v4.1: 160 of 1,614,064 alleles (0.0099%); highest among the groups gnomAD compares: Non-Finnish European, 0.011%; no homozygotes.

Submissions 1 to 12 of 15:

Labcorp Genetics (formerly Invitae), Labcorp
Classification: Pathogenic for Congenital myotonia, autosomal recessive form; Congenital myotonia, autosomal dominant form. Last evaluated: 2026-01-20. Review status: criteria provided, single submitter. Criteria: Invitae Variant Classification Sherloc (09022015). Collection method: clinical testing. Allele origin: germline.
Comment: This sequence change replaces phenylalanine, which is neutral and non-polar, with serine, which is neutral and polar, at codon 307 of the CLCN1 protein (p.Phe307Ser). This variant is present in population databases (rs80356701, gnomAD 0.02%). This missense change has been observed in individual(s) with autosomal recessive myotonia congenita (PMID: 9736777, 17932099, 23152584, 23516313). In at least one individual the data is consistent with being in trans (on the opposite chromosome) from a pathogenic variant. ClinVar contains an entry for this variant (Variation ID: 21050). Invitae Evidence Modeling of protein sequence and biophysical properties (such as structural, functional, and spatial information, amino acid conservation, physicochemical variation, residue mobility, and thermodynamic stability) indicates that this missense variant is expected to disrupt CLCN1 protein function with a positive predictive value of 95%. Experimental studies have shown that this missense change affects CLCN1 function (PMID: 9736777, 11408615). For these reasons, this variant has been classified as Pathogenic.

Variantyx, Inc.
Classification: Likely pathogenic for Congenital myotonia, autosomal dominant form. Last evaluated: 2026-01-19. Review status: criteria provided, single submitter. Criteria: Variantyx Assertion Criteria 2022. Collection method: clinical testing. Allele origin: germline. Inheritance: Autosomal recessive inheritance. Affected: yes.
Comment: This is a nonsynonymous variant in the CLCN1 gene (OMIM: 118425). Pathogenic variants in this gene have been associated with autosomal dominant myotonia congenita. This variant has been reported in at least one affected individual (PMID: 9736777). This variant lies within a known hotspot for pathogenic variants or a well-established critical functional domain of the CLCN1 protein (PMID: 17932099, 29809153) (PM1). Functional studies have shown that this variant alters CLCN1 protein function (PMID: 9736777) (PS3), and multiple computational algorithms predict a deleterious effect for this variant (REVEL score: 0.98) (PP3). This variant has a 0.0113% maximum allele frequency in non-founder control populations. Based on the current evidence, this variant is classified as likely pathogenic for autosomal dominant myotonia congenita.

Clinical Omics and Informatics (COIN) Unit, Neuroscience Institute, University Of Cape Town
Classification: Pathogenic for Congenital myotonia, autosomal recessive form. Last evaluated: 2025-02-10. Review status: criteria provided, single submitter. Criteria: ACMG Guidelines, 2015. Collection method: research. Allele origin: germline. Inheritance: Autosomal recessive inheritance. Affected: yes. Observed: 1 variant allele, 1 compound heterozygote.
Comment: PM2_supporting: the highest population allele frequency in gnomAD v2.1.1 is 0.00028 (0.028%; 2/7228 alleles Other population, no homozygous observations) and gnomAD v3.1.2 is 0.00005879 (0.005879%; 4/68038 in European NonFinnish population, no homozygous observations). PP3_strong: REVEL score is 0.98. PM1 met: variant occurs in exon 8 which is a hot-spot for dominant CLCN1 mutations. This region of the chloride channel has an important role in dominant negative interactions between the two chloride channel monomers (PMID 17932099). PS3_supporting: functional studies provide supportive evidence that this variant has a damaging effect on the gene or gene product (PMID 9736777, 11408615). PS4 met: this variant has been reported in >10 probands with both autosomal dominant and autosomal recessive myotonia congenita. Sequencing funded by the International Centre for Genomic Medicine in Neuromuscular Diseases (ICGNMD).

Women's Health and Genetics/Laboratory Corporation of America, LabCorp
Classification: Pathogenic for Congenital myotonia, autosomal recessive form. Last evaluated: 2024-10-14. Review status: criteria provided, single submitter. Criteria: LabCorp Variant Classification Summary - May 2015. Collection method: clinical testing. Allele origin: germline.
Comment: Variant summary: CLCN1 c.920T>C (p.Phe307Ser) results in a non-conservative amino acid change in the encoded protein sequence. Five of five in-silico tools predict a damaging effect of the variant on protein function. The variant allele was found at a frequency of 6e-05 in 251440 control chromosomes. This frequency is not significantly higher than estimated for a pathogenic variant in CLCN1 causing Myotonia congenita (6e-05 vs 0.0035), allowing no conclusion about variant significance. c.920T>C has been reported in the literature in the homozygous and compound heterozygous states in multiple individuals affected with Myotonia congenita (Horga_2013, Suetterlin_2022, Colding-Jorgensen_2003, Ek_2023). These data indicate that the variant is very likely to be associated with disease. The following publications have been ascertained in the context of this evaluation (PMID: 15786415, 37273706, 23516313, 34529042). ClinVar contains an entry for this variant (Variation ID: 21050). Based on the evidence outlined above, the variant was classified as pathogenic.

Blueprint Genetics
Classification: Pathogenic for CLCN1-related disorders. Last evaluated: 2024-07-16. Review status: criteria provided, single submitter. Criteria: ACMG Guidelines, 2015. Collection method: clinical testing. Allele origin: germline. Affected: yes. Observed: 5 variant alleles.

Fulgent Genetics
Classification: Pathogenic for Congenital myotonia, autosomal dominant form; Congenital myotonia, autosomal recessive form. Last evaluated: 2024-03-14. Review status: criteria provided, single submitter. Criteria: ACMG Guidelines, 2015. Collection method: clinical testing. Allele origin: germline.

Revvity Omics, Revvity
Classification: Pathogenic. Last evaluated: 2024-03-06. Review status: criteria provided, single submitter. Criteria: ACMG Guidelines, 2015. Collection method: clinical testing. Allele origin: germline.

Baylor Genetics
Classification: Pathogenic for Congenital myotonia, autosomal recessive form. Last evaluated: 2024-01-24. Review status: criteria provided, single submitter. Criteria: ACMG Guidelines, 2015. Collection method: clinical testing. Allele origin: unknown.

Baylor Genetics
Classification: Pathogenic for Congenital myotonia, autosomal dominant form. Last evaluated: 2024-01-24. Review status: criteria provided, single submitter. Criteria: ACMG Guidelines, 2015. Collection method: clinical testing. Allele origin: unknown.

Athena Diagnostics
Classification: Pathogenic. Last evaluated: 2022-09-26. Review status: criteria provided, single submitter. Criteria: Athena Diagnostics Criteria. Collection method: clinical testing. Allele origin: unknown.
Comment: The frequency of this variant in the general population is consistent with pathogenicity. This variant has been reported in multiple individuals with myotonia congenita together with a single recessive pathogenic variant in the same gene (PMID: 17932099, 12661046, 35350395), however, it has also been reported in individuals with possible autosomal dominant myotonia congenita (PMID: 11840191, 23516313, 23152584). Assessment of experimental evidence suggests this variant results in abnormal protein function. See PMID: 11408615, 9736777.

GeneDx
Classification: Pathogenic. Last evaluated: 2022-09-02. Review status: criteria provided, single submitter. Criteria: GeneDx Variant Classification Process June 2021. Collection method: clinical testing. Allele origin: germline. Affected: yes.
Comment: Reported in multiple unrelated families with myotonia congenita, in association with both autosomal dominant and autosomal recessive inheritance (Kubisch et al., 1998; Colding-Jorgensen et al., 2003; Fialho et al., 2007; Wang et al., 2022); Published functional studies demonstrate a shift in voltage dependence towards positive potentials, and the altered protein displayed a dominant-negative effect when expressed with wild type protein (Kubisch et al., 1998; Aromataris et al., 2001); Not observed at a significant frequency in large population cohorts (gnomAD); In silico analysis supports that this missense variant has a deleterious effect on protein structure/function; This variant is associated with the following publications: (PMID: 24349310, 11840191, 11408615, 17932099, 15162127, 12661046, 23152584, 23516313, 32010054, 32906206, 34529042, 35350395, 9736777)

HudsonAlpha Institute for Biotechnology
Classification: Pathogenic for Congenital myotonia, autosomal dominant form. Last evaluated: 2022-04-20. Review status: criteria provided, single submitter. Criteria: ACMG Guidelines, 2015. Collection method: research. Allele origin: paternal. Affected: yes. Observed: 1 variant allele. Study: HudsonAlpha-AGHI-WGS.
Comment: ACMG codes: PS4_Moderate, PS3, PM2, PP3